The following is an entry in ClinVar:

ClinVar aggregate classification (germline): Uncertain significance (1 of 4 stars; one submission).

Conditions:
Familial melanoma. Also called: Hereditary melanoma; Hereditary cutaneous melanoma. Identifiers: Orphanet 618, MedGen C1512419, MONDO:0018961.

Submission:

Labcorp Genetics (formerly Invitae), Labcorp
Classification: Uncertain significance for Familial melanoma. Last evaluated: 2020-03-27. Review status: criteria provided, single submitter. Criteria: Invitae Variant Classification Sherloc (09022015). Collection method: clinical testing. Allele origin: germline.
Comment: In summary, the available evidence is currently insufficient to determine the role of this variant in disease. Therefore, it has been classified as a Variant of Uncertain Significance. Algorithms developed to predict the effect of missense changes on protein structure and function are either unavailable or do not agree on the potential impact of this missense change (SIFT: "Deleterious"; PolyPhen-2: "Benign"; Align-GVGD: "Class C0"). This variant has not been reported in the literature in individuals with CDK4-related conditions. This variant is not present in population databases (ExAC no frequency). This sequence change replaces proline with serine at codon 262 of the CDK4 protein (p.Pro262Ser). The proline residue is highly conserved and there is a moderate physicochemical difference between proline and serine.

NM_000075.4(CDK4):c.784C>T (p.Pro262Ser)

Genes: CDK4 (cyclin dependent kinase 4; minus strand), TSPAN31 (tetraspanin 31; plus strand). Cytogenetic location: 12q14.1.
Variant type: single nucleotide variant.
Coding change: c.784C>T on transcript NM_000075.4 (MANE Select); coding-DNA position 784, C replaced by T.
Protein change: p.Pro262Ser; replaces proline 262 with serine.
Molecular consequence: missense variant. On other transcripts: 3 prime UTR variant (3).
Genome position (GRCh38, 1-based): chr12:57,749,217, G>A on the plus strand (C>T on the coding strand, the complement: CDK4 is on the minus strand). VCF-style: chr12-57749217-G-A. GRCh37 (hg19) VCF-style: chr12-58143000-G-A.
Other names: c.*1927G>A (NM_001330168.2, NM_001330169.2, NM_005981.5); short protein forms P262S.
Identifiers: ClinVar variation 1000634 (VCV001000634.8), dbSNP rs1358878722, ClinGen allele CA385543136.